The following is an entry in ClinVar:

NM_000477.7(ALB):c.1244A>T (p.Asn415Ile)

Gene: ALB (albumin; plus strand). Cytogenetic location: 4q13.3.
Variant type: single nucleotide variant.
Coding change: c.1244A>T on transcript NM_000477.7 (MANE Select); coding-DNA position 1244, A replaced by T.
Protein change: p.Asn415Ile; replaces asparagine 415 with isoleucine.
Molecular consequence: missense variant.
Genome position (GRCh38, 1-based): chr4:73,416,308, A>T. VCF-style: chr4-73416308-A-T. GRCh37 (hg19) VCF-style: chr4-74282025-A-T.
Other names: short protein forms N415I.
Identifiers: ClinVar variation 3344578 (VCV003344578.1).

ClinVar aggregate classification (germline): Uncertain significance (0 of 4 stars; one submission).

Conditions:
ALB-related disorder. Also called: ALB-related condition.

Submission:

PreventionGenetics, part of Exact Sciences
Classification: Uncertain significance for ALB-related condition. Last evaluated: 2024-06-09. Review status: no assertion criteria provided. Collection method: clinical testing. Allele origin: germline.
Comment: The ALB c.1244A>T variant is predicted to result in the amino acid substitution p.Asn415Ile. To our knowledge, this variant has not been reported in the literature or in a large population database, indicating this variant is rare. At this time, the clinical significance of this variant is uncertain due to the absence of conclusive functional and genetic evidence.